The following is an entry in ClinVar:

ClinVar aggregate classification (germline): Conflicting classifications of pathogenicity. Review status: criteria provided, conflicting classifications (1 of 4 stars). 2 submissions from 2 submitters: Pathogenic (1); Uncertain significance (1). Last evaluated 2025-08-01.

Conditions:
Multiple endocrine neoplasia, type 2 (MEN2). Identifiers: Orphanet 653, MedGen C4048306, MONDO:0019003. Disease mechanism: gain of function.

Submissions (2):

GeneDx
Classification: Pathogenic. Last evaluated: 2025-08-01. Review status: criteria provided, single submitter. Criteria: GeneDx Variant Classification Process June 2021. Collection method: clinical testing. Allele origin: germline.
Comment: In silico analysis supports that this missense variant has a deleterious effect on protein structure/function; Not observed at significant frequency in large population cohorts (gnomAD); This variant is associated with the following publications: (PMID: 8401581, 16959974, 26152202, 31983649, 22751117, 11445581, 26582918, 10618407, 14633923)

Labcorp Genetics (formerly Invitae), Labcorp
Classification: Uncertain significance for Multiple endocrine neoplasia, type 2. Last evaluated: 2024-07-19. Review status: criteria provided, single submitter. Criteria: Invitae Variant Classification Sherloc (09022015). Collection method: clinical testing. Allele origin: germline.
Comment: This sequence change replaces arginine, which is basic and polar, with tryptophan, which is neutral and slightly polar, at codon 360 of the RET protein (p.Arg360Trp). This variant is not present in population databases (gnomAD no frequency). This missense change has been observed in individual(s) with Hirschsprung disease (PMID: 10618407, 31983649). ClinVar contains an entry for this variant (Variation ID: 2136856). An algorithm developed to predict the effect of missense changes on protein structure and function (PolyPhen-2) suggests that this variant is likely to be disruptive. In summary, the available evidence is currently insufficient to determine the role of this variant in disease. Therefore, it has been classified as a Variant of Uncertain Significance.

Literature cited by the submitters: PubMed 10618407 (cited by Labcorp Genetics (formerly Invitae), Labcorp); PubMed 31983649 (cited by Labcorp Genetics (formerly Invitae), Labcorp).

NM_020975.6(RET):c.1078C>T (p.Arg360Trp)

Gene: RET (ret proto-oncogene; plus strand). Cytogenetic location: 10q11.21.
Variant type: single nucleotide variant.
Coding change: c.1078C>T on transcript NM_020975.6 (MANE Select); coding-DNA position 1078, C replaced by T.
Protein change: p.Arg360Trp; replaces arginine 360 with tryptophan.
Molecular consequence: missense variant.
Genome position (GRCh38, 1-based): chr10:43,109,045, C>T. VCF-style: chr10-43109045-C-T. GRCh37 (hg19) VCF-style: chr10-43604493-C-T.
Other names: c.1078C>T, p.Arg360Trp (NM_000323.2, NM_001406743.1, NM_001406744.1 and 6 more transcripts); c.316C>T, p.Arg106Trp (NM_001355216.2); c.949C>T, p.Arg317Trp (NM_001406761.1, NM_001406762.1, NM_001406764.1 and 1 more transcripts); c.790C>T, p.Arg264Trp (NM_001406766.1, NM_001406767.1, NM_001406770.1); c.640C>T, p.Arg214Trp (NM_001406771.1, NM_001406773.1); c.352C>T, p.Arg118Trp (NM_001406775.1, NM_001406776.1, NM_001406777.1 and 1 more transcripts); c.88C>T, p.Arg30Trp (NM_001406784.1); short protein forms R106W, R30W, R118W, R264W, R360W, R214W, R317W.
Identifiers: ClinVar variation 2136856 (VCV002136856.6), dbSNP rs1424549058, ClinGen allele CA376547238.